The following is an entry in ClinVar:

NM_007078.3(LDB3):c.897-304A>C

Gene: LDB3 (LIM domain binding 3; plus strand). Cytogenetic location: 10q23.2.
Variant type: single nucleotide variant.
Coding change: c.897-304A>C on transcript NM_007078.3 (MANE Select); 304 bases into the intron before coding-DNA position 897, A replaced by C.
Molecular consequence: intron variant.
Genome position (GRCh38, 1-based): chr10:86,706,227, A>C. VCF-style: chr10-86706227-A-C. GRCh37 (hg19) VCF-style: chr10-88465984-A-C.
Other names: c.897-3678A>C (NM_001368064.1, NM_001368065.1); c.1101-3678A>C (NM_001171610.2); c.756-304A>C (NM_001368066.1); c.756-3678A>C (NM_001080114.2).
Identifiers: ClinVar variation 668989 (VCV000668989.1), dbSNP rs17106956, ClinGen allele CA211196103.
Genomic context (GRCh38, chr10:86,706,227, plus strand): 5'-GGATCAGGGAGGAACCTGGGTGGATAATTCCATCGGCCTTTCTACCACACTGTTTTGCTG[A>C]AAAAGAAAAATTAGGAAGTACAGAAAAATTTGAGGGGTGGGGGTGGGAAATTCCTCCAGG-3'

ClinVar aggregate classification (germline): Benign (1 of 4 stars; one submission).

Allele frequency attached by ClinVar (database versions not stated): 1000 Genomes Project 0.03954; 1000 Genomes Project 30x 0.04138; gnomAD 0.05123 and 0.05344; TOPMed 0.05381.
gnomAD v4.1: 7,726 of 151,366 alleles (5.1%); highest among the groups gnomAD compares: African/African-American, 10%; 298 homozygotes.

Submission:

GeneDx
Classification: Benign. Last evaluated: 2018-06-18. Review status: criteria provided, single submitter. Criteria: GeneDx Variant Classification (06012015). Collection method: clinical testing. Allele origin: germline. Affected: yes.
Comment: This variant is considered likely benign or benign based on one or more of the following criteria: it is a conservative change, it occurs at a poorly conserved position in the protein, it is predicted to be benign by multiple in silico algorithms, and/or has population frequency not consistent with disease.